The following is an entry in ClinVar:

NM_206933.4(USH2A):c.13811+2T>C

Gene: USH2A (usherin; minus strand). Cytogenetic location: 1q41.
Variant type: single nucleotide variant.
Coding change: c.13811+2T>C on transcript NM_206933.4 (MANE Select); the canonical splice donor site of the intron after coding-DNA position 13811, T replaced by C.
Molecular consequence: splice donor variant.
Genome position (GRCh38, 1-based): chr1:215,674,098, A>G on the plus strand (T>C on the coding strand, the complement: USH2A is on the minus strand). VCF-style: chr1-215674098-A-G. GRCh37 (hg19) VCF-style: chr1-215847440-A-G.
Identifiers: ClinVar variation 556726 (VCV000556726.3), dbSNP rs766515318, ClinGen allele CA1393216.

ClinVar aggregate classification (germline): Pathogenic. Review status: criteria provided, single submitter (1 of 4 stars). 2 submissions from 2 submitters: Pathogenic (1). 1 of the submissions does not count toward it. Last evaluated 2025-07-14.

Conditions:
Usher syndrome type 2A. Also called: RETINAL DISEASE IN USHER SYNDROME TYPE IIA, MODIFIER OF; USHER SYNDROME, TYPE IIA. Identifiers: Orphanet 231178, Orphanet 886, MedGen C1848634, MONDO:0010169, OMIM 276901.
Retinitis pigmentosa 39 (RP39). Identifiers: Orphanet 791, MedGen C3151138, MONDO:0013436, OMIM 613809.

Allele frequency attached by ClinVar (database versions not stated): ExAC 0.00001.
gnomAD v4.1: 2 of 1,614,074 alleles (0.00012%); highest among the groups gnomAD compares: South Asian, 0.0022%; no homozygotes.

Submissions (2):

Natera, Inc.
Classification: Pathogenic for Usher syndrome type 2A. Last evaluated: 2025-07-14. Review status: criteria provided, single submitter. Criteria: Natera Variant Classification Schema (03/2026). Collection method: clinical testing. Allele origin: germline.
Comment: The c.13811+2T>C variant in USH2A is a canonical splice donor site variant predicted to affect pre-mRNA splicing, which may result in an abnormal transcript and altered protein product. This variant is expected to result in nonsense mediated decay, truncation, or a dysfunctional protein product. This variant is rare in the general population with a frequency below the threshold expected for the associated phenotype(s). Another variant at this same site results in an alteration predicted to cause a similar molecular effect has been observed in individual(s) with the associated phenotype. Given the available evidence, this variant is classified as Pathogenic.

Counsyl
Classification: Likely pathogenic for Usher syndrome type 2A; Retinitis pigmentosa 39. Last evaluated: 2018-02-14. Review status: no assertion criteria provided. Collection method: clinical testing. Allele origin: unknown. Not counted in ClinVar's aggregate classification.